The following is an entry in ClinVar:

ClinVar aggregate classification (germline): Uncertain significance (1 of 4 stars; one submission).

Allele frequency attached by ClinVar (database versions not stated): gnomAD exomes 0.00001; ExAC 0.00002.
gnomAD v4.1: 7 of 1,614,216 alleles (0.00043%); highest among the groups gnomAD compares: Admixed American, 0.005%; no homozygotes.

Submission:

Labcorp Genetics (formerly Invitae), Labcorp
Classification: Uncertain significance. Last evaluated: 2024-12-09. Review status: criteria provided, single submitter. Criteria: Invitae Variant Classification Sherloc (09022015). Collection method: clinical testing. Allele origin: germline.
Comment: This sequence change replaces isoleucine, which is neutral and non-polar, with valine, which is neutral and non-polar, at codon 1026 of the DHX38 protein (p.Ile1026Val). This variant is present in population databases (rs759434051, gnomAD 0.009%). This variant has not been reported in the literature in individuals affected with DHX38-related conditions. ClinVar contains an entry for this variant (Variation ID: 1423471). Invitae Evidence Modeling of protein sequence and biophysical properties (such as structural, functional, and spatial information, amino acid conservation, physicochemical variation, residue mobility, and thermodynamic stability) indicates that this missense variant is not expected to disrupt DHX38 protein function with a negative predictive value of 80%. In summary, the available evidence is currently insufficient to determine the role of this variant in disease. Therefore, it has been classified as a Variant of Uncertain Significance.

NM_014003.4(DHX38):c.3076A>G (p.Ile1026Val)

Genes: DHX38 (DEAH-box helicase 38; plus strand), LOC126862391 (CDK7 strongly-dependent group 2 enhancer GRCh37_chr16:72141414-72142613; plus strand). Cytogenetic location: 16q22.2.
Variant type: single nucleotide variant.
Coding change: c.3076A>G on transcript NM_014003.4 (MANE Select); coding-DNA position 3076, A replaced by G.
Protein change: p.Ile1026Val; replaces isoleucine 1026 with valine.
Molecular consequence: missense variant.
Genome position (GRCh38, 1-based): chr16:72,108,338, A>G. VCF-style: chr16-72108338-A-G. GRCh37 (hg19) VCF-style: chr16-72142237-A-G.
Other names: short protein forms I1026V.
Identifiers: ClinVar variation 1423471 (VCV001423471.6), dbSNP rs759434051, ClinGen allele CA8160856.